The following is an entry in ClinVar:

NM_021930.6(RINT1):c.1136T>A (p.Leu379Gln)

Gene: RINT1 (RAD50 interactor 1; plus strand). Cytogenetic location: 7q22.3.
Variant type: single nucleotide variant.
Coding change: c.1136T>A on transcript NM_021930.6 (MANE Select); coding-DNA position 1136, T replaced by A.
Protein change: p.Leu379Gln; replaces leucine 379 with glutamine.
Molecular consequence: missense variant. On other transcripts: non-coding transcript variant (1).
Genome position (GRCh38, 1-based): chr7:105,550,289, T>A. VCF-style: chr7-105550289-T-A. GRCh37 (hg19) VCF-style: chr7-105190736-T-A.
Other names: c.902T>A, p.Leu301Gln (NM_001346599.2); c.113T>A, p.Leu38Gln (NM_001346600.2, NM_001346603.2); c.212T>A, p.Leu71Gln (NM_001346601.2); short protein forms L379Q, L301Q, L71Q, L38Q.
Identifiers: ClinVar variation 2448413 (VCV002448413.2), dbSNP rs2485132855, ClinGen allele CA368808844.

ClinVar aggregate classification (germline): Uncertain significance (1 of 4 stars; one submission).

gnomAD v4.1: 4 of 1,614,154 alleles (0.00025%); highest among the groups gnomAD compares: Non-Finnish European, 0.00034%; no homozygotes.

Submission:

Ambry Genetics
Classification: Uncertain significance. Last evaluated: 2023-01-08. Review status: criteria provided, single submitter. Criteria: Ambry Variant Classification Scheme 2023. Collection method: clinical testing. Allele origin: germline.
Comment: The p.L379Q variant (also known as c.1136T>A), located in coding exon 9 of the RINT1 gene, results from a T to A substitution at nucleotide position 1136. The leucine at codon 379 is replaced by glutamine, an amino acid with dissimilar properties. This amino acid position is conserved. In addition, this alteration is predicted to be deleterious by in silico analysis. Since supporting evidence is limited at this time, the clinical significance of this alteration remains unclear.